The following is an entry in ClinVar:

NM_014000.3(VCL):c.224C>T (p.Pro75Leu)

Gene: VCL (vinculin; plus strand). Cytogenetic location: 10q22.2.
Variant type: single nucleotide variant.
Coding change: c.224C>T on transcript NM_014000.3 (MANE Select); coding-DNA position 224, C replaced by T.
Protein change: p.Pro75Leu; replaces proline 75 with leucine.
Molecular consequence: missense variant.
Genome position (GRCh38, 1-based): chr10:74,043,138, C>T. VCF-style: chr10-74043138-C-T. GRCh37 (hg19) VCF-style: chr10-75802896-C-T.
Other names: p.P75L:CCA>CTA; c.224C>T, p.Pro75Leu (NM_003373.4); short protein forms P75L.
Identifiers: ClinVar variation 202151 (VCV000202151.16), dbSNP rs373830664, ClinGen allele CA335607.

ClinVar aggregate classification (germline): Uncertain significance. Review status: criteria provided, multiple submitters, no conflicts (2 of 4 stars). 4 submissions from 4 submitters: Uncertain significance (4). Last evaluated 2024-10-08.

Conditions:
Cardiovascular phenotype. Identifiers: MedGen CN230736.
Dilated cardiomyopathy 1W (CMD1W). Identifiers: Orphanet 154, MedGen C1969639, MONDO:0012667, OMIM 611407.

Allele frequency attached by ClinVar (database versions not stated): gnomAD exomes below 0.00001 and 0.00002; TOPMed 0.00001; ExAC 0.00002; gnomAD 0.00002; 1000 Genomes Project 0.00060; 1000 Genomes Project 30x 0.00062.
gnomAD v4.1: 12 of 1,613,088 alleles (0.00074%); highest among the groups gnomAD compares: East Asian, 0.016%; no homozygotes.

Submissions (4):

Ambry Genetics
Classification: Uncertain significance for Cardiovascular phenotype. Last evaluated: 2024-10-08. Review status: criteria provided, single submitter. Criteria: Ambry Variant Classification Scheme 2023. Collection method: clinical testing. Allele origin: germline.

Labcorp Genetics (formerly Invitae), Labcorp
Classification: Uncertain significance for Dilated cardiomyopathy 1W. Last evaluated: 2023-05-25. Review status: criteria provided, single submitter. Criteria: Invitae Variant Classification Sherloc (09022015). Collection method: clinical testing. Allele origin: germline.
Comment: In summary, the available evidence is currently insufficient to determine the role of this variant in disease. Therefore, it has been classified as a Variant of Uncertain Significance. An algorithm developed to predict the effect of missense changes on protein structure and function (PolyPhen-2) suggests that this variant¬†is likely to be tolerated. ClinVar contains an entry for this variant (Variation ID: 202151). This missense change has been observed in individual(s) with dilated cardiomyopathy (PMID: 31983221). This variant is present in population databases (rs373830664, gnomAD 0.02%). This sequence change replaces proline, which is neutral and non-polar, with leucine, which is neutral and non-polar, at codon 75 of the VCL protein (p.Pro75Leu).

Revvity Omics, Revvity
Classification: Uncertain significance. Last evaluated: 2020-12-04. Review status: criteria provided, single submitter. Criteria: ACMG Guidelines, 2015. Collection method: clinical testing. Allele origin: germline.

GeneDx
Classification: Uncertain significance. Last evaluated: 2014-06-02. Review status: criteria provided, single submitter. Criteria: GeneDx Variant Classification (06012015). Collection method: clinical testing. Allele origin: germline. Affected: yes.
Comment: p.Pro75Leu (CCA>CTA): c.224 C>T in exon 2 of the VCL gene (NM_014000.2). A variant of unknown significance has been identified in the VCL gene. The P75L variant has not been published as a mutation, nor has it been reported as a benign polymorphism to our knowledge. The P75L variant was not observed in approximately 6500 individuals of European and African American ancestry in the NHLBI Exome Sequencing Project, indicating it is not a common benign variant in these populations. This substitution occurs at a position that is conserved across most species. In silico analysis predicts this variant is probably damaging to the protein structure/function. However, missense mutations in nearby residues have not been reported, indicating this region of the protein may tolerate change. Also, the P75L variant is a conservative amino acid substitution, which is not likely to impact secondary protein structure as these residues share similar properties. Therefore, based on the currently available information, it is unclear whether this variant is a pathogenic mutation or a rare benign variant. The variant is found in CARDIOMYOPATHY panel(s).

Literature cited by the submitters: PubMed 31983221 (cited by Labcorp Genetics (formerly Invitae), Labcorp).